The following is an entry in ClinVar:

NM_000112.4(SLC26A2):c.1764C>A (p.Tyr588Ter)

Gene: SLC26A2 (solute carrier family 26 member 2; plus strand). Cytogenetic location: 5q32.
Variant type: single nucleotide variant.
Coding change: c.1764C>A on transcript NM_000112.4 (MANE Select); coding-DNA position 1764, C replaced by A.
Protein change: p.Tyr588Ter; replaces tyrosine 588 with a stop codon.
Molecular consequence: nonsense.
Genome position (GRCh38, 1-based): chr5:149,981,357, C>A. VCF-style: chr5-149981357-C-A. GRCh37 (hg19) VCF-style: chr5-149360920-C-A.
Other names: short protein forms Y588*.
Identifiers: ClinVar variation 550571 (VCV000550571.9), dbSNP rs1554095364, ClinGen allele CA361708728.

ClinVar aggregate classification (germline): Pathogenic/Likely pathogenic. Review status: criteria provided, multiple submitters, no conflicts (2 of 4 stars). 3 submissions from 3 submitters: Pathogenic (1); Likely pathogenic (1). 1 of the submissions does not count toward it. Last evaluated 2023-06-21.

Conditions:
Achondrogenesis, type IB (ACG1B). Also called: Achondrogenesis Type 1B. Identifiers: Orphanet 932, Orphanet 93298, MedGen C0265274, MONDO:0010966, OMIM 600972.
Multiple epiphyseal dysplasia type 4 (EDM4). Also called: MULTIPLE EPIPHYSEAL DYSPLASIA WITH BILAYERED PATELLAE; MULTIPLE EPIPHYSEAL DYSPLASIA WITH CLUBFOOT; MULTIPLE EPIPHYSEAL DYSPLASIA, AUTOSOMAL RECESSIVE; SLC26A2-Related Multiple Epiphyseal Dysplasia; Multiple Epiphyseal Dysplasia, Recessive. Identifiers: Orphanet 93307, MedGen C1847593, MONDO:0009189, OMIM 226900.
Atelosteogenesis type II (AO2). Also called: SLC26A2-Related Atelosteogenesis; NEONATAL OSSEOUS DYSPLASIA I; Neonatal osseous dysplasia 1. Identifiers: Orphanet 56304, MedGen C1850554, MONDO:0009727, OMIM 256050.
Diastrophic dysplasia (DTD). Also called: Diastrophic dwarfism. Identifiers: Orphanet 628, MedGen C0220726, MONDO:0009107, OMIM 222600.

Submissions (3):

Baylor Genetics
Classification: Likely pathogenic for Achondrogenesis, type IB. Last evaluated: 2023-06-21. Review status: criteria provided, single submitter. Criteria: ACMG Guidelines, 2015. Collection method: clinical testing. Allele origin: unknown.

Labcorp Genetics (formerly Invitae), Labcorp
Classification: Pathogenic for Atelosteogenesis type II; Multiple epiphyseal dysplasia type 4; Achondrogenesis, type IB; Diastrophic dysplasia. Last evaluated: 2022-06-27. Review status: criteria provided, single submitter. Criteria: Invitae Variant Classification Sherloc (09022015). Collection method: clinical testing. Allele origin: germline.
Comment: This sequence change creates a premature translational stop signal (p.Tyr588*) in the SLC26A2 gene. While this is not anticipated to result in nonsense mediated decay, it is expected to disrupt the last 152 amino acid(s) of the SLC26A2 protein. This variant is not present in population databases (gnomAD no frequency). This variant has not been reported in the literature in individuals affected with SLC26A2-related conditions. ClinVar contains an entry for this variant (Variation ID: 550571). This variant disrupts a region of the SLC26A2 protein in which other variant(s) (p.Ala715Val) have been determined to be pathogenic (PMID: 8571951, 21077204, 21922596; Invitae). This suggests that this is a clinically significant region of the protein, and that variants that disrupt it are likely to be disease-causing. For these reasons, this variant has been classified as Pathogenic.

Counsyl
Classification: Likely pathogenic for Multiple epiphyseal dysplasia type 4. Last evaluated: 2017-02-01. Review status: no assertion criteria provided. Collection method: clinical testing. Allele origin: unknown. Not counted in ClinVar's aggregate classification.

Literature cited by the submitters: PubMed 8571951 (cited by Labcorp Genetics (formerly Invitae), Labcorp); PubMed 21077204 (cited by Labcorp Genetics (formerly Invitae), Labcorp); PubMed 21922596 (cited by Labcorp Genetics (formerly Invitae), Labcorp).